The following is an entry in ClinVar:

ClinVar aggregate classification (germline): Uncertain significance (1 of 4 stars; one submission).

Conditions:
TNF receptor-associated periodic fever syndrome (TRAPS) (FPF). Also called: FAMILIAL HIBERNIAN FEVER; TNF Receptor-Associated Periodic Fever Syndrome; TNF receptor 1-associated periodic fever syndrome; TNF RECEPTOR-ASSOCIATED PERIODIC SYNDROME; TUMOR NECROSIS FACTOR RECEPTOR-ASSOCIATED PERIODIC SYNDROME; Autosomal Dominant Familial Periodic Fever. Identifiers: Orphanet 32960, MedGen C1275126, MONDO:0007727, OMIM 142680.

Allele frequency attached by ClinVar (database versions not stated): gnomAD exomes below 0.00001.
gnomAD v4.1: 1 of 1,613,752 alleles (0.000062%); highest among the groups gnomAD compares: Non-Finnish European, 0.000085%; no homozygotes.

Submission:

Labcorp Genetics (formerly Invitae), Labcorp
Classification: Uncertain significance for TNF receptor-associated periodic fever syndrome (TRAPS). Last evaluated: 2022-09-01. Review status: criteria provided, single submitter. Criteria: Invitae Variant Classification Sherloc (09022015). Collection method: clinical testing. Allele origin: germline.
Comment: In summary, the available evidence is currently insufficient to determine the role of this variant in disease. Therefore, it has been classified as a Variant of Uncertain Significance. Advanced modeling of protein sequence and biophysical properties (such as structural, functional, and spatial information, amino acid conservation, physicochemical variation, residue mobility, and thermodynamic stability) performed at Invitae indicates that this missense variant is not expected to disrupt TNFRSF1A protein function. ClinVar contains an entry for this variant (Variation ID: 1415478). This variant has not been reported in the literature in individuals affected with TNFRSF1A-related conditions. This variant is not present in population databases (gnomAD no frequency). This sequence change replaces lysine, which is basic and polar, with glutamic acid, which is acidic and polar, at codon 203 of the TNFRSF1A protein (p.Lys203Glu).

NM_001065.4(TNFRSF1A):c.607A>G (p.Lys203Glu)

Gene: TNFRSF1A (TNF receptor superfamily member 1A; minus strand). Cytogenetic location: 12p13.31.
Variant type: single nucleotide variant.
Coding change: c.607A>G on transcript NM_001065.4 (MANE Select); coding-DNA position 607, A replaced by G.
Protein change: p.Lys203Glu; replaces lysine 203 with glutamic acid.
Molecular consequence: missense variant.
Genome position (GRCh38, 1-based): chr12:6,330,871, T>C on the plus strand (A>G on the coding strand, the complement: TNFRSF1A is on the minus strand). VCF-style: chr12-6330871-T-C. GRCh37 (hg19) VCF-style: chr12-6440037-T-C.
Other names: c.283A>G, p.Lys95Glu (NM_001346091.2); c.148A>G, p.Lys50Glu (NM_001346092.2); short protein forms K203E, K95E, K50E.
Identifiers: ClinVar variation 1415478 (VCV001415478.6), dbSNP rs2136817744, ClinGen allele CA383548009.